The following is an entry in ClinVar:

NM_016335.6(PRODH):c.175C>T (p.Gln59Ter)

Gene: PRODH (proline dehydrogenase 1; minus strand). Cytogenetic location: 22q11.21.
Variant type: single nucleotide variant.
Coding change: c.175C>T on transcript NM_016335.6 (MANE Select); coding-DNA position 175, C replaced by T.
Protein change: p.Gln59Ter; replaces glutamine 59 with a stop codon.
Molecular consequence: nonsense. On other transcripts: intron variant (2).
Genome position (GRCh38, 1-based): chr22:18,936,113, G>A on the plus strand (C>T on the coding strand, the complement: PRODH is on the minus strand). VCF-style: chr22-18936113-G-A. GRCh37 (hg19) VCF-style: chr22-18923626-G-A.
Other names: c.-52+277C>T (NM_001195226.2); c.-52+57C>T (NM_001368250.2); short protein forms Q59*.
Identifiers: ClinVar variation 2916786 (VCV002916786.4), dbSNP rs780557421, ClinGen allele CA10095499.

ClinVar aggregate classification (germline): Pathogenic/Likely pathogenic. Review status: criteria provided, multiple submitters, no conflicts (2 of 4 stars). 2 submissions from 2 submitters: Pathogenic (1); Likely pathogenic (1). Last evaluated 2024-03-20.

Conditions:
Proline dehydrogenase deficiency (HYRPRO1). Also called: PROLINE OXIDASE DEFICIENCY; Hyperprolinemia type 1. Identifiers: Orphanet 419, MedGen C0268529, MONDO:0009400, OMIM 239500.
Schizophrenia 4 (SCZD4). Also called: SCHIZOPHRENIA SUSCEPTIBILITY LOCUS, CHROMOSOME 22q11-RELATED; SCHIZOPHRENIA, SUSCEPTIBILITY TO, 4. Identifiers: MedGen C1833247, MONDO:0010943, OMIM 600850.

Allele frequency attached by ClinVar (database versions not stated): ExAC 0.00012.

Submissions (2):

Fulgent Genetics
Classification: Likely pathogenic for Proline dehydrogenase deficiency; Schizophrenia 4. Last evaluated: 2024-03-20. Review status: criteria provided, single submitter. Criteria: ACMG Guidelines, 2015. Collection method: clinical testing. Allele origin: germline.

Labcorp Genetics (formerly Invitae), Labcorp
Classification: Pathogenic for Proline dehydrogenase deficiency. Last evaluated: 2023-08-24. Review status: criteria provided, single submitter. Criteria: Invitae Variant Classification Sherloc (09022015). Collection method: clinical testing. Allele origin: germline.
Comment: This sequence change creates a premature translational stop signal (p.Gln59*) in the PRODH gene. It is expected to result in an absent or disrupted protein product. Loss-of-function variants in PRODH are known to be pathogenic (PMID: 12525555, 15662599, 19736351). The frequency data for this variant in the population databases is considered unreliable, as metrics indicate poor data quality at this position in the gnomAD database. This variant has not been reported in the literature in individuals affected with PRODH-related conditions. For these reasons, this variant has been classified as Pathogenic.

Literature cited by the submitters: PubMed 12525555 (cited by Labcorp Genetics (formerly Invitae), Labcorp); PubMed 15662599 (cited by Labcorp Genetics (formerly Invitae), Labcorp); PubMed 19736351 (cited by Labcorp Genetics (formerly Invitae), Labcorp).